The following is an entry in ClinVar:

NM_201253.3(CRB1):c.2668A>G (p.Ser890Gly)

Gene: CRB1 (crumbs cell polarity complex component 1; plus strand). Cytogenetic location: 1q31.3.
Variant type: single nucleotide variant.
Coding change: c.2668A>G on transcript NM_201253.3 (MANE Select); coding-DNA position 2668, A replaced by G.
Protein change: p.Ser890Gly; replaces serine 890 with glycine.
Molecular consequence: missense variant. On other transcripts: non-coding transcript variant (2), intron variant (1).
Genome position (GRCh38, 1-based): chr1:197,427,993, A>G. VCF-style: chr1-197427993-A-G. GRCh37 (hg19) VCF-style: chr1-197397123-A-G.
Other names: c.2332A>G, p.Ser778Gly (NM_001193640.2); c.2461A>G, p.Ser821Gly (NM_001257965.2); c.2128+6037A>G (NM_001257966.2); c.2668A>G (NM_201253.2); short protein forms S778G, S890G, S821G.
Identifiers: ClinVar variation 2079935 (VCV002079935.5), dbSNP rs138259621, ClinGen allele CA1312156.
Genomic context (GRCh38, chr1:197,427,993, plus strand): 5'-AACAATGCATCTCTCAATCCAGTTCTTGTCAATGTAACCCAAGGCTGTGCTGGAGACAAC[A>G]GCTGCAAGGTAATGATTACTCATACAAACTAGGTATATACTGTATGCTAAACTTTTACTT-3'
Protein context (NP_957705.1, residues 880-900): NVTQGCAGDN[Ser890Gly]CKSNPCHNGG

ClinVar aggregate classification (germline): Uncertain significance. Review status: criteria provided, multiple submitters, no conflicts (2 of 4 stars). 5 submissions from 3 submitters: Uncertain significance (5). Last evaluated 2025-06-07.

Conditions:
Retinitis pigmentosa 12 (RP12). Also called: RP WITH OR WITHOUT PPRPE; RP WITH OR WITHOUT PRESERVED PARAARTERIOLE RETINAL PIGMENT EPITHELIUM; RETINITIS PIGMENTOSA WITH OR WITHOUT PARAARTERIOLAR PRESERVATION OF RETINAL PIGMENT EPITHELIUM. Identifiers: Orphanet 791, MedGen C1838647, MONDO:0010818, OMIM 600105.
Leber congenital amaurosis 8 (LCA8). Identifiers: Orphanet 65, MedGen C3151202, MONDO:0013453, OMIM 613835.
Inborn genetic diseases. Identifiers: MedGen C0950123, MeSH D030342.
Pigmented paravenous retinochoroidal atrophy. Identifiers: Orphanet 251295, MedGen C1868310, MONDO:0008246, OMIM 172870.

Allele frequency attached by ClinVar (database versions not stated): ExAC 0.00003; gnomAD 0.00005; TOPMed 0.00005; ESP Exome Variant Server 0.00015; 1000 Genomes Project 0.00040; 1000 Genomes Project 30x 0.00047.
gnomAD v4.1: 19 of 1,613,634 alleles (0.0012%); highest among the groups gnomAD compares: African/African-American, 0.019%; no homozygotes.

Submissions (5):

Ambry Genetics
Classification: Uncertain significance for Inborn genetic diseases. Last evaluated: 2025-06-07. Review status: criteria provided, single submitter. Criteria: Ambry Variant Classification Scheme 2023. Collection method: clinical testing. Allele origin: germline.

Genome-Nilou Lab
Classification: Uncertain significance for Leber congenital amaurosis 8. Last evaluated: 2023-04-11. Review status: criteria provided, single submitter. Criteria: ACMG Guidelines, 2015. Collection method: clinical testing. Allele origin: germline. Affected: no.

Genome-Nilou Lab
Classification: Uncertain significance for Pigmented paravenous retinochoroidal atrophy. Last evaluated: 2023-04-11. Review status: criteria provided, single submitter. Criteria: ACMG Guidelines, 2015. Collection method: clinical testing. Allele origin: germline. Affected: no.

Genome-Nilou Lab
Classification: Uncertain significance for Retinitis pigmentosa 12. Last evaluated: 2023-04-11. Review status: criteria provided, single submitter. Criteria: ACMG Guidelines, 2015. Collection method: clinical testing. Allele origin: germline. Affected: no.

Labcorp Genetics (formerly Invitae), Labcorp
Classification: Uncertain significance for Leber congenital amaurosis 8; Retinitis pigmentosa 12. Last evaluated: 2022-06-13. Review status: criteria provided, single submitter. Criteria: Invitae Variant Classification Sherloc (09022015). Collection method: clinical testing. Allele origin: germline.
Comment: This sequence change replaces serine, which is neutral and polar, with glycine, which is neutral and non-polar, at codon 890 of the CRB1 protein (p.Ser890Gly). This variant is present in population databases (rs138259621, gnomAD 0.02%). This variant has not been reported in the literature in individuals affected with CRB1-related conditions. Advanced modeling of protein sequence and biophysical properties (such as structural, functional, and spatial information, amino acid conservation, physicochemical variation, residue mobility, and thermodynamic stability) performed at Invitae indicates that this missense variant is not expected to disrupt CRB1 protein function. In summary, the available evidence is currently insufficient to determine the role of this variant in disease. Therefore, it has been classified as a Variant of Uncertain Significance.